The following is an entry in ClinVar:

NM_001126108.2(SLC12A3):c.2721-169C>G

Gene: SLC12A3 (solute carrier family 12 member 3; plus strand). Cytogenetic location: 16q13.
Variant type: single nucleotide variant.
Coding change: c.2721-169C>G on transcript NM_001126108.2 (MANE Select); 169 bases into the intron before coding-DNA position 2721, C replaced by G.
Molecular consequence: intron variant.
Genome position (GRCh38, 1-based): chr16:56,902,204, C>G. VCF-style: chr16-56902204-C-G. GRCh37 (hg19) VCF-style: chr16-56936116-C-G.
Other names: c.2748-169C>G (NM_000339.3); c.2745-169C>G (NM_001126107.2).
Identifiers: ClinVar variation 1707260 (VCV001707260.2), dbSNP rs79342977, ClinGen allele CA14337464.

ClinVar aggregate classification (germline): Likely benign (1 of 4 stars; one submission).

Allele frequency attached by ClinVar (database versions not stated): gnomAD 0.00528; TOPMed 0.00545; 1000 Genomes Project 0.00719; 1000 Genomes Project 30x 0.00734.
gnomAD v4.1: 1,153 of 807,652 alleles (0.14%); highest among the groups gnomAD compares: African/African-American, 1.8%; 15 homozygotes.

Submission:

GeneDx
Classification: Likely benign. Last evaluated: 2020-12-03. Review status: criteria provided, single submitter. Criteria: GeneDx Variant Classification Process June 2021. Collection method: clinical testing. Allele origin: germline. Affected: yes.
Comment: See Variant Classification Assertion Criteria.